The following is an entry in ClinVar:

ClinVar aggregate classification (germline): Uncertain significance (1 of 4 stars; one submission).

Conditions:
RASopathy. Also called: rasopathies; Noonan spectrum disorder. Identifiers: Orphanet 536391, MedGen C5555857, MONDO:0021060.

Submission:

Labcorp Genetics (formerly Invitae), Labcorp
Classification: Uncertain significance for RASopathy. Last evaluated: 2023-08-24. Review status: criteria provided, single submitter. Criteria: Invitae Variant Classification Sherloc (09022015). Collection method: clinical testing. Allele origin: germline.
Comment: This variant is not present in population databases (gnomAD no frequency). This sequence change replaces glutamine, which is neutral and polar, with histidine, which is basic and polar, at codon 93 of the BRAF protein (p.Gln93His). This variant has not been reported in the literature in individuals affected with BRAF-related conditions. In summary, the available evidence is currently insufficient to determine the role of this variant in disease. Therefore, it has been classified as a Variant of Uncertain Significance. Advanced modeling of protein sequence and biophysical properties (such as structural, functional, and spatial information, amino acid conservation, physicochemical variation, residue mobility, and thermodynamic stability) performed at Invitae indicates that this missense variant is expected to disrupt BRAF protein function.

NM_004333.6(BRAF):c.279A>T (p.Gln93His)

Gene: BRAF (B-Raf proto-oncogene, serine/threonine kinase; minus strand). Cytogenetic location: 7q34.
Variant type: single nucleotide variant.
Coding change: c.279A>T on transcript NM_004333.6 (MANE Select); coding-DNA position 279, A replaced by T.
Protein change: p.Gln93His; replaces glutamine 93 with histidine.
Molecular consequence: missense variant. On other transcripts: intron variant (1).
Genome position (GRCh38, 1-based): chr7:140,834,834, T>A on the plus strand (A>T on the coding strand, the complement: BRAF is on the minus strand). VCF-style: chr7-140834834-T-A. GRCh37 (hg19) VCF-style: chr7-140534634-T-A.
Other names: c.279A>T, p.Gln93His (NM_001354609.2, NM_001374244.1, NM_001374258.1 and 5 more transcripts); c.177A>T, p.Gln59His (NM_001378470.1); c.123A>T, p.Gln41His (NM_001378472.1, NM_001378473.1); c.240+15277A>T (NM_001378475.1); short protein forms Q41H, Q93H, Q59H.
Identifiers: ClinVar variation 3013391 (VCV003013391.3), dbSNP rs150050723, ClinGen allele CA369593889.